The following is an entry in ClinVar:

ClinVar aggregate classification (germline): Pathogenic (1 of 4 stars; one submission).

Conditions:
Hereditary sensory and autonomic neuropathy type 6. Also called: HSAN VI; Neuropathy, hereditary sensory and autonomic, type VI. Identifiers: Orphanet 314381, MedGen C3539003, MONDO:0013839, OMIM 614653.
Epidermolysis bullosa simplex 3, localized or generalized intermediate, with BP230 deficiency (EBS3). Also called: Epidermolysis bullosa simplex due to BP230 deficiency; Epidermolysis bullosa simplex, autosomal recessive 2. Identifiers: Orphanet 412181, MedGen C3809470, MONDO:0014180, OMIM 615425.

Submission:

Labcorp Genetics (formerly Invitae), Labcorp
Classification: Pathogenic for Epidermolysis bullosa simplex 3, localized or generalized intermediate, with BP230 deficiency; Hereditary sensory and autonomic neuropathy type 6. Last evaluated: 2022-02-23. Review status: criteria provided, single submitter. Criteria: Invitae Variant Classification Sherloc (09022015). Collection method: clinical testing. Allele origin: germline.
Comment: For these reasons, this variant has been classified as Pathogenic. This variant has not been reported in the literature in individuals affected with DST-related conditions. This variant is not present in population databases (gnomAD no frequency). This sequence change creates a premature translational stop signal (p.Lys1421Serfs*25) in the DST gene. It is expected to result in an absent or disrupted protein product. Loss-of-function variants in DST are known to be pathogenic (PMID: 22522446, 25059916, 30371979).

Literature cited by the submitters: PubMed 22522446; PubMed 25059916; PubMed 30371979.

NM_001723.7(DST):c.4262del (p.Lys1421fs)

Gene: DST (dystonin; minus strand). Cytogenetic location: 6p12.1.
Variant type: Deletion.
Coding change: c.4262del on transcript NM_001723.7 (MANE Plus Clinical); coding-DNA position 4262, one base deleted (A; older notation c.4262delA).
Protein change: p.Lys1421fs; shifts the reading frame from lysine 1421.
Molecular consequence: frameshift variant. On other transcripts: intron variant (10).
Genome position (GRCh38, 1-based): chr6:56,619,772, T deleted on the plus strand (A on the coding strand, the reverse complement: DST is on the minus strand); the first of 2 consecutive T bases (chr6:56,619,772-56,619,773); deleting either gives the same sequence. VCF-style (leftmost placement, unchanged base first): chr6-56619771-CT-C. GRCh37 (hg19) VCF-style: chr6-56484569-CT-C.
Other names: c.4830+4758del (NM_001144769.5); c.4929+4758del (NM_001374722.1, NM_001374736.1); c.4956+4758del (NM_001374734.1); c.4416+4758del (NM_001144770.2); c.4296+4758del (NM_001374730.1, NM_001386100.1, NM_183380.4 and 1 more transcripts); c.3318+4758del (NM_015548.5); short protein forms K1421fs.
Identifiers: ClinVar variation 2043128 (VCV002043128.4), dbSNP rs2536722203, ClinGen allele CA2580075640.